The following is an entry in ClinVar:

NM_152564.5(VPS13B):c.3929A>G (p.Gln1310Arg)

Gene: VPS13B (vacuolar protein sorting 13 homolog B; plus strand). Cytogenetic location: 8q22.2.
Variant type: single nucleotide variant.
Coding change: c.3929A>G on transcript NM_152564.5 (MANE Select); coding-DNA position 3929, A replaced by G.
Protein change: p.Gln1310Arg; replaces glutamine 1310 with arginine.
Molecular consequence: missense variant.
Genome position (GRCh38, 1-based): chr8:99,501,745, A>G. VCF-style: chr8-99501745-A-G. GRCh37 (hg19) VCF-style: chr8-100513973-A-G.
Other names: c.3929A>G, p.Gln1310Arg (NM_017890.5); short protein forms Q1310R.
Identifiers: ClinVar variation 4983270 (VCV004983270.1).

ClinVar aggregate classification (germline): Uncertain significance (1 of 4 stars; one submission).

Conditions:
VPS13B-related disorder. Also called: VPS13B-related condition.

Submission:

PreventionGenetics, part of Exact Sciences
Classification: Uncertain significance for VPS13B-related condition. Last evaluated: 2024-12-16. Review status: criteria provided, single submitter. Criteria: ACMG Guidelines, 2015. Collection method: clinical testing. Allele origin: germline.
Comment: The VPS13B c.3929A>G variant is predicted to result in the amino acid substitution p.Gln1310Arg. To our knowledge, this variant has not been reported in the literature or in a large population database (gnomAD), indicating this variant is rare. At this time, the clinical significance of this variant is uncertain due to the absence of conclusive functional and genetic evidence.